The following is an entry in ClinVar:

ClinVar aggregate classification (germline): Uncertain significance (1 of 4 stars; one submission).

Conditions:
Chédiak-Higashi syndrome (CHS). Also called: Chediak-Higashi Syndrome. Identifiers: Orphanet 167, MedGen C0007965, MONDO:0008963, OMIM 214500.

Submission:

Labcorp Genetics (formerly Invitae), Labcorp
Classification: Uncertain significance for Chédiak-Higashi syndrome. Last evaluated: 2022-08-16. Review status: criteria provided, single submitter. Criteria: Invitae Variant Classification Sherloc (09022015). Collection method: clinical testing. Allele origin: germline.
Comment: This missense change has been observed in individual(s) with hemophagocytic lymphohistiocytosis (PMID: 27781387). In summary, the available evidence is currently insufficient to determine the role of this variant in disease. Therefore, it has been classified as a Variant of Uncertain Significance. Algorithms developed to predict the effect of missense changes on protein structure and function are either unavailable or do not agree on the potential impact of this missense change (SIFT: "Deleterious"; PolyPhen-2: "Probably Damaging"; Align-GVGD: "Class C0"). ClinVar contains an entry for this variant (Variation ID: 1006948). This variant is not present in population databases (gnomAD no frequency). This sequence change replaces leucine, which is neutral and non-polar, with isoleucine, which is neutral and non-polar, at codon 1320 of the LYST protein (p.Leu1320Ile).

Literature cited by the submitters: PubMed 27781387.

NM_000081.4(LYST):c.3958T>A (p.Leu1320Ile)

Gene: LYST (lysosomal trafficking regulator; minus strand). Cytogenetic location: 1q42.3.
Variant type: single nucleotide variant.
Coding change: c.3958T>A on transcript NM_000081.4 (MANE Select); coding-DNA position 3958, T replaced by A.
Protein change: p.Leu1320Ile; replaces leucine 1320 with isoleucine.
Molecular consequence: missense variant.
Genome position (GRCh38, 1-based): chr1:235,800,368, A>T on the plus strand (T>A on the coding strand, the complement: LYST is on the minus strand). VCF-style: chr1-235800368-A-T. GRCh37 (hg19) VCF-style: chr1-235963668-A-T.
Other names: c.3958T>A, p.Leu1320Ile (NM_001301365.1); short protein forms L1320I.
Identifiers: ClinVar variation 1006948 (VCV001006948.8), dbSNP rs764914278, ClinGen allele CA344942198.